The following is an entry in ClinVar:

NM_003742.4(ABCB11):c.2815-17T>G

Genes: ABCB11 (ATP binding cassette subfamily B member 11; minus strand), LOC126806400 (CDK7 strongly-dependent group 2 enhancer GRCh37_chr2:169791870-169793069; plus strand). Cytogenetic location: 2q31.1.
Variant type: single nucleotide variant.
Coding change: c.2815-17T>G on transcript NM_003742.4 (MANE Select); 17 bases into the intron before coding-DNA position 2815, T replaced by G.
Molecular consequence: intron variant.
Genome position (GRCh38, 1-based): chr2:168,935,442, A>C on the plus strand (T>G on the coding strand, the complement: ABCB11 is on the minus strand). VCF-style: chr2-168935442-A-C. GRCh37 (hg19) VCF-style: chr2-169791952-A-C.
Other names: p.?; c.2815-17T>G (LRG_1199t1).
Identifiers: ClinVar variation 383648 (VCV000383648.5), dbSNP rs376348082, ClinGen allele CA1951173.

ClinVar aggregate classification (germline): Likely benign. Review status: criteria provided, multiple submitters, no conflicts (2 of 4 stars). 3 submissions from 3 submitters: Likely benign (3). Last evaluated 2026-01-14.

Allele frequency attached by ClinVar (database versions not stated): gnomAD 0.00019 and 0.00022; TOPMed 0.00021; gnomAD exomes 0.00023 and 0.00041; ExAC 0.00031; ESP Exome Variant Server 0.00042.
gnomAD v4.1: 611 of 1,603,160 alleles (0.038%); highest among the groups gnomAD compares: Non-Finnish European, 0.05%; no homozygotes.

Submissions (3):

Labcorp Genetics (formerly Invitae), Labcorp
Classification: Likely benign. Last evaluated: 2026-01-14. Review status: criteria provided, single submitter. Criteria: Invitae Variant Classification Sherloc (09022015). Collection method: clinical testing. Allele origin: germline.

Mayo Clinic Laboratories, Mayo Clinic
Classification: Likely benign. Last evaluated: 2025-02-26. Review status: criteria provided, single submitter. Criteria: ACMG Guidelines, 2015. Collection method: clinical testing. Allele origin: germline. Observed: 2 variant alleles.
Comment: BP4, BP7, PM2_supporting

GeneDx
Classification: Likely benign. Last evaluated: 2017-09-05. Review status: criteria provided, single submitter. Criteria: GeneDx Variant Classification (06012015). Collection method: clinical testing. Allele origin: germline. Affected: yes.
Comment: This variant is considered likely benign or benign based on one or more of the following criteria: it is a conservative change, it occurs at a poorly conserved position in the protein, it is predicted to be benign by multiple in silico algorithms, and/or has population frequency not consistent with disease.